The following is an entry in ClinVar:

NM_005732.4(RAD50):c.1019_1022del (p.Asn340fs)

Gene: RAD50 (RAD50 double strand break repair protein; plus strand). Cytogenetic location: 5q31.1.
Variant type: Deletion.
Coding change: c.1019_1022del on transcript NM_005732.4 (MANE Select); coding-DNA positions 1019 to 1022, 4 bases deleted (ATCA; older notation c.1019_1022delATCA).
Protein change: p.Asn340fs; shifts the reading frame from asparagine 340.
Molecular consequence: frameshift variant.
Genome position (GRCh38, 1-based): chr5:132,588,057-132,588,060, ATCA deleted; deleting any 4 consecutive bases within chr5:132,588,054-132,588,060 gives the same sequence; the c. name uses the placement nearest the transcript's 3' end. VCF-style (leftmost placement, unchanged base first): chr5-132588053-CTCAA-C. GRCh37 (hg19) VCF-style: chr5-131923745-CTCAA-C.
Other names: short protein forms N340fs.
Identifiers: ClinVar variation 1068734 (VCV001068734.7), dbSNP rs2149840692, ClinGen allele CA2499217565.

ClinVar aggregate classification (germline): Pathogenic (1 of 4 stars; one submission).

Conditions:
Hereditary cancer-predisposing syndrome. Also called: Hereditary neoplastic syndrome; Tumor predisposition; Hereditary Cancer Syndrome; Neoplastic Syndromes, Hereditary. Identifiers: Orphanet 140162, MedGen C0027672, MeSH D009386, MONDO:0015356.

Submission:

Labcorp Genetics (formerly Invitae), Labcorp
Classification: Pathogenic for Hereditary cancer-predisposing syndrome. Last evaluated: 2021-12-08. Review status: criteria provided, single submitter. Criteria: Invitae Variant Classification Sherloc (09022015). Collection method: clinical testing. Allele origin: germline.
Comment: This variant is not present in population databases (gnomAD no frequency). This sequence change creates a premature translational stop signal (p.Asn340Argfs*30) in the RAD50 gene. It is expected to result in an absent or disrupted protein product. Loss-of-function variants in RAD50 are known to be pathogenic (PMID: 19409520). This variant has not been reported in the literature in individuals affected with RAD50-related conditions. ClinVar contains an entry for this variant (Variation ID: 1068734). For these reasons, this variant has been classified as Pathogenic.

Literature cited by the submitters: PubMed 19409520.